The following is an entry in ClinVar:

ClinVar aggregate classification (germline): Conflicting classifications of pathogenicity. Review status: criteria provided, conflicting classifications (1 of 4 stars). 2 submissions from 2 submitters: Uncertain significance (1); Likely benign (1). Last evaluated 2024-06-25.

Conditions:
Inborn genetic diseases. Identifiers: MedGen C0950123, MeSH D030342.
Cornelia de Lange syndrome 1 (CDLS1). Also called: TYPUS DEGENERATIVUS AMSTELODAMENSIS; Brachmann de Lange syndrome; NIPBL-Related Cornelia de Lange Syndrome. Identifiers: Orphanet 199, MedGen C4551851, MONDO:0007387, OMIM 122470.

Allele frequency attached by ClinVar (database versions not stated): gnomAD 0.00001; gnomAD exomes 0.00001; ExAC 0.00002; 1000 Genomes Project 30x 0.00016; 1000 Genomes Project 0.00020.
gnomAD v4.1: 20 of 1,613,908 alleles (0.0012%); highest among the groups gnomAD compares: Admixed American, 0.0067%; no homozygotes.

Submissions (2):

Labcorp Genetics (formerly Invitae), Labcorp
Classification: Uncertain significance for Cornelia de Lange syndrome 1. Last evaluated: 2024-06-25. Review status: criteria provided, single submitter. Criteria: Invitae Variant Classification Sherloc (09022015). Collection method: clinical testing. Allele origin: germline.
Comment: This sequence change replaces arginine, which is basic and polar, with glutamine, which is neutral and polar, at codon 832 of the NIPBL protein (p.Arg832Gln). This variant is present in population databases (rs150498581, gnomAD 0.006%). This variant has not been reported in the literature in individuals affected with NIPBL-related conditions. ClinVar contains an entry for this variant (Variation ID: 2199458). Advanced modeling of protein sequence and biophysical properties (such as structural, functional, and spatial information, amino acid conservation, physicochemical variation, residue mobility, and thermodynamic stability) has been performed at Invitae for this missense variant, however the output from this modeling did not meet the statistical confidence thresholds required to predict the impact of this variant on NIPBL protein function. In summary, the available evidence is currently insufficient to determine the role of this variant in disease. Therefore, it has been classified as a Variant of Uncertain Significance.

Ambry Genetics
Classification: Likely benign for Inborn genetic diseases. Last evaluated: 2022-11-03. Review status: criteria provided, single submitter. Criteria: Ambry Variant Classification Scheme 2023. Collection method: clinical testing. Allele origin: germline.

NM_133433.4(NIPBL):c.2495G>A (p.Arg832Gln)

Gene: NIPBL (NIPBL cohesin loading factor; plus strand). Cytogenetic location: 5p13.2.
Variant type: single nucleotide variant.
Coding change: c.2495G>A on transcript NM_133433.4 (MANE Select); coding-DNA position 2495, G replaced by A.
Protein change: p.Arg832Gln; replaces arginine 832 with glutamine.
Molecular consequence: missense variant.
Genome position (GRCh38, 1-based): chr5:36,985,675, G>A. VCF-style: chr5-36985675-G-A. GRCh37 (hg19) VCF-style: chr5-36985777-G-A.
Other names: c.2495G>A, p.Arg832Gln (NM_015384.5); c.2495G>A (NM_133433.3); short protein forms R832Q.
Identifiers: ClinVar variation 2199458 (VCV002199458.5), dbSNP rs150498581, ClinGen allele CA3236181.